The following is an entry in ClinVar:

ClinVar aggregate classification (germline): Uncertain significance (1 of 4 stars; one submission).

Allele frequency attached by ClinVar (database versions not stated): gnomAD exomes below 0.00001.
gnomAD v4.1: 1 of 1,204,365 alleles (0.000083%); highest among the groups gnomAD compares: African/African-American, 0.0017%; no homozygotes.

Submission:

GeneDx
Classification: Uncertain significance. Last evaluated: 2024-07-26. Review status: criteria provided, single submitter. Criteria: GeneDx Variant Classification Process June 2021. Collection method: clinical testing. Allele origin: germline.
Comment: Not observed at significant frequency in large population cohorts (gnomAD); In silico analysis supports that this missense variant does not alter protein structure/function; Has not been previously published as pathogenic or benign to our knowledge

NM_001039591.3(USP9X):c.3685G>A (p.Ala1229Thr)

Gene: USP9X (ubiquitin specific peptidase 9 X-linked; plus strand). Cytogenetic location: Xp11.4.
Variant type: single nucleotide variant.
Coding change: c.3685G>A on transcript NM_001039591.3 (MANE Select); coding-DNA position 3685, G replaced by A.
Protein change: p.Ala1229Thr; replaces alanine 1229 with threonine.
Molecular consequence: missense variant.
Genome position (GRCh38, 1-based): chrX:41,187,992, G>A. VCF-style: chrX-41187992-G-A. GRCh37 (hg19) VCF-style: chrX-41047245-G-A.
Other names: c.3685G>A, p.Ala1229Thr (NM_001039590.3); c.3700G>A, p.Ala1234Thr (NM_001410748.1, NM_001410749.1); short protein forms A1229T, A1234T.
Identifiers: ClinVar variation 2663664 (VCV002663664.2), dbSNP rs2519279596, ClinGen allele CA412768473.
Genomic context (GRCh38, chrX:41,187,992, plus strand): 5'-TTTCTAAACATAATTTCACTCTCATTCTATCAACAGTTCTATTTACTCGTTATCTTGCAG[G>A]CTTCAAGATATATGCCTGATATTTGTGTAATTAGAGCTATACAAAAAATTATCTGGGCAT-3'
Protein context (NP_001034680.2, residues 1219-1239): VRLAQQISDE[Ala1229Thr]SRYMPDICVI